The following is an entry in ClinVar:

NM_016222.4(DDX41):c.154C>T (p.Gln52Ter)

Gene: DDX41 (DEAD-box helicase 41; minus strand). Cytogenetic location: 5q35.3.
Variant type: single nucleotide variant.
Coding change: c.154C>T on transcript NM_016222.4 (MANE Select); coding-DNA position 154, C replaced by T.
Protein change: p.Gln52Ter; replaces glutamine 52 with a stop codon.
Molecular consequence: nonsense. On other transcripts: 5 prime UTR variant (2).
Genome position (GRCh38, 1-based): chr5:177,516,432, G>A on the plus strand (C>T on the coding strand, the complement: DDX41 is on the minus strand). VCF-style: chr5-177516432-G-A. GRCh37 (hg19) VCF-style: chr5-176943433-G-A.
Other names: c.-225C>T (NM_001321732.2, NM_001321830.2); short protein forms Q52*.
Identifiers: ClinVar variation 3042404 (VCV003042404.3), dbSNP rs2532090465, ClinGen allele CA362377502.

ClinVar aggregate classification (germline): Likely pathogenic. Review status: criteria provided, single submitter (1 of 4 stars). 2 submissions from 2 submitters: Likely pathogenic (1). 1 of the submissions does not count toward it. Last evaluated 2026-08-03.

Conditions:
DDX41-related hematologic malignancy predisposition syndrome. Also called: Myeloproliferative/lymphoproliferative neoplasms, familial (multiple types), susceptibility to; DDX41-Associated Familial Myelodysplastic Syndrome and Acute Myeloid Leukemia. Identifiers: Orphanet 488647, MedGen C4225174, MONDO:0014809, OMIM 616871.
DDX41-related disorder. Also called: DDX41-related condition.

Allele frequency attached by ClinVar (database versions not stated): gnomAD exomes below 0.00001.
gnomAD v4.1: 1 of 1,613,690 alleles (0.000062%); highest among the groups gnomAD compares: South Asian, 0.0011%; no homozygotes.

Submissions (2):

Genelabs Medical  (pvt) Ltd
Classification: Likely pathogenic for DDX41-related hematologic malignancy predisposition syndrome. Last evaluated: 2026-08-03. Review status: criteria provided, single submitter. Criteria: ACMG Guidelines, 2015. Collection method: clinical testing. Allele origin: germline. Inheritance: Autosomal dominant inheritance. Affected: no. Observed: 1 heterozygote.
Comment: The nonsense variant NM_016222.4(DDX41):c.154C>T (p.Gln52Ter) is absent from population databases (allele frequency 1.16e-05 in South Asians in gnomAD). Pathogenic loss-of-function variants in DDX41 are a well-established mechanism underlying DDX41-related hematologic malignancy predisposition syndrome, an autosomal-dominant condition with incomplete penetrance that increases susceptibility to myeloid and lymphoid neoplasms. This single-nucleotide substitution introduces a premature termination codon at position 52, resulting in a truncated protein. The variant is located in exon 3 of 17 and is predicted to undergo nonsense-mediated decay (NMD), likely resulting in loss of normal DDX41 protein function. There are over 100 pathogenic or likely pathogenic loss-of-function variants reported in DDX41, including 84 downstream truncating variants, supporting a strong gene-disease relationship (PMIDs: 28637623, 26712909). Based on the cumulative evidence, this variant is classified as Likely Pathogenic. (PVS1, PM2_Supporting)

PreventionGenetics, part of Exact Sciences
Classification: Likely pathogenic for DDX41-related condition. Last evaluated: 2024-01-05. Review status: no assertion criteria provided. Collection method: clinical testing. Allele origin: germline. Not counted in ClinVar's aggregate classification.
Comment: The DDX41 c.154C>T variant is predicted to result in premature protein termination (p.Gln52*). To our knowledge, this variant has not been reported in the literature or in a large population database, indicating this variant is rare. Nonsense variants in DDX41 are expected to be pathogenic. This variant is interpreted as likely pathogenic.

Literature cited by the submitters: PubMed 28637623 (cited by Genelabs Medical  (pvt) Ltd); PubMed 26712909 (cited by Genelabs Medical  (pvt) Ltd).